The following is an entry in ClinVar:

NM_199242.3(UNC13D):c.1992+11T>C

Gene: UNC13D (unc-13 homolog D; minus strand). Cytogenetic location: 17q25.1.
Variant type: single nucleotide variant.
Coding change: c.1992+11T>C on transcript NM_199242.3 (MANE Select); 11 bases into the intron after coding-DNA position 1992, T replaced by C.
Molecular consequence: intron variant.
Genome position (GRCh38, 1-based): chr17:75,834,909, A>G on the plus strand (T>C on the coding strand, the complement: UNC13D is on the minus strand). VCF-style: chr17-75834909-A-G. GRCh37 (hg19) VCF-style: chr17-73830990-A-G.
Identifiers: ClinVar variation 263221 (VCV000263221.15), dbSNP rs112501965, ClinGen allele CA8772728.

ClinVar aggregate classification (germline): Benign. Review status: criteria provided, multiple submitters, no conflicts (2 of 4 stars). 4 submissions from 4 submitters: Benign (4). Last evaluated 2026-01-28.

Conditions:
Familial hemophagocytic lymphohistiocytosis 3 (FHL3). Also called: UNC13D-Related Familial Hemophagocytic Lymphohistiocytosis (UNC13D-fHLH). Identifiers: Orphanet 540, MedGen C1837174, MONDO:0012146, OMIM 608898.

Allele frequency attached by ClinVar (database versions not stated): gnomAD exomes 0.00113 and 0.00307; ExAC 0.00383; 1000 Genomes Project 0.01178; gnomAD 0.01185 and 0.01262; 1000 Genomes Project 30x 0.01265; TOPMed 0.01349; ESP Exome Variant Server 0.01430.
gnomAD v4.1: 3,538 of 1,613,908 alleles (0.22%); highest among the groups gnomAD compares: African/African-American, 4.2%; 65 homozygotes.

Submissions (4):

Labcorp Genetics (formerly Invitae), Labcorp
Classification: Benign for Familial hemophagocytic lymphohistiocytosis 3. Last evaluated: 2026-01-28. Review status: criteria provided, single submitter. Criteria: Invitae Variant Classification Sherloc (09022015). Collection method: clinical testing. Allele origin: germline.

Illumina Laboratory Services, Illumina
Classification: Benign for Familial hemophagocytic lymphohistiocytosis 3. Last evaluated: 2017-04-27. Review status: criteria provided, single submitter. Criteria: ICSL Variant Classification Criteria 13 December 2019. Collection method: clinical testing. Allele origin: germline.
Comment: This variant was observed as part of a predisposition screen in an ostensibly healthy population. A literature search was performed for the gene, cDNA change, and amino acid change (where applicable). No publications were found based on this search. Allele frequency data from public databases was too high to be consistent with this variant causing disease. Therefore, this variant is classified as benign.

Breakthrough Genomics
Classification: Benign. Review status: criteria provided, single submitter. Criteria: ACMG Guidelines, 2015. Collection method: not provided. Allele origin: germline. Inheritance: Autosomal recessive inheritance. Affected: yes.

PreventionGenetics, part of Exact Sciences
Classification: Benign. Review status: criteria provided, single submitter. Criteria: ACMG Guidelines, 2015. Collection method: clinical testing. Allele origin: germline.